The following is an entry in ClinVar:

ClinVar aggregate classification (germline): Uncertain significance (1 of 4 stars; one submission).

gnomAD v4.1: 1 of 1,563,886 alleles (0.000064%); highest among the groups gnomAD compares: Non-Finnish European, 0.000086%; no homozygotes.

Submission:

Ambry Genetics
Classification: Uncertain significance. Last evaluated: 2026-02-16. Review status: criteria provided, single submitter. Criteria: Ambry Variant Classification Scheme 2023. Collection method: clinical testing. Allele origin: germline.
Comment: The c.829+1G>C intronic variant results from a G to C substitution one nucleotide after coding exon 5 of the ATRIP gene. This nucleotide position is highly conserved in available vertebrate species. In silico splice site analysis predicts that this alteration will weaken the native splice donor site. The evidence for this gene-disease relationship is limited; therefore, the clinical significance of this variant is unclear.

NM_130384.3(ATRIP):c.829+1G>C

Genes: ATRIP (ATR interacting protein; plus strand), ATRIP-TREX1 (ATRIP-TREX1 readthrough; plus strand). Cytogenetic location: 3p21.31.
Variant type: single nucleotide variant.
Coding change: c.829+1G>C on transcript NM_130384.3 (MANE Select); the canonical splice donor site of the intron after coding-DNA position 829, G replaced by C.
Molecular consequence: splice donor variant.
Genome position (GRCh38, 1-based): chr3:48,457,417, G>C. VCF-style: chr3-48457417-G-C. GRCh37 (hg19) VCF-style: chr3-48498817-G-C.
Other names: c.829+1G>C (NM_032166.4); c.448+1G>C (NM_001271022.2); c.550+1G>C (NM_001271023.2).
Identifiers: ClinVar variation 4844940 (VCV004844940.1).
Genomic context (GRCh38, chr3:48,457,417, plus strand): 5'-TGTCCCTTCCCCACCCCTGCCAGACGGAGTCAGGATACAAGCCTCTGGTGGGCAGAGAGG[G>C]TAAGTCCATTAGTCATCTATTGATGTATAACAAGCTACCCAAATATGTGGCTTAAAACAA-3'